The following is an entry in ClinVar:

NM_006172.4(NPPA):c.78T>A (p.Asn26Lys)

Genes: NPPA (natriuretic peptide A; minus strand), NPPA-AS1 (NPPA antisense RNA 1; plus strand), LOC114827827 (VISTA enhancer hs2123; plus strand). Cytogenetic location: 1p36.22.
Variant type: single nucleotide variant.
Coding change: c.78T>A on transcript NM_006172.4 (MANE Select); coding-DNA position 78, T replaced by A.
Protein change: p.Asn26Lys; replaces asparagine 26 with lysine.
Molecular consequence: missense variant. On other transcripts: non-coding transcript variant (1).
Genome position (GRCh38, 1-based): chr1:11,847,607, A>T on the plus strand (T>A on the coding strand, the complement: NPPA is on the minus strand). VCF-style: chr1-11847607-A-T. GRCh37 (hg19) VCF-style: chr1-11907664-A-T.
Other names: c.78T>A (LRG_751t1); short protein forms N26K.
Identifiers: ClinVar variation 240294 (VCV000240294.9), dbSNP rs770401799, ClinGen allele CA597117.

ClinVar aggregate classification (germline): Uncertain significance. Review status: criteria provided, multiple submitters, no conflicts (2 of 4 stars). 2 submissions from 2 submitters: Uncertain significance (2). Last evaluated 2022-09-06.

Conditions:
Atrial fibrillation, familial, 6 (ATFB6). Identifiers: MedGen C2677294, MONDO:0012816, OMIM 612201.
Inborn genetic diseases. Identifiers: MedGen C0950123, MeSH D030342.

Allele frequency attached by ClinVar (database versions not stated): gnomAD exomes 0.00001; TOPMed below 0.00001; ExAC 0.00002.
gnomAD v4.1: 9 of 1,614,020 alleles (0.00056%); highest among the groups gnomAD compares: African/African-American, 0.0013%; no homozygotes.

Submissions (2):

Ambry Genetics
Classification: Uncertain significance for Inborn genetic diseases. Last evaluated: 2022-09-06. Review status: criteria provided, single submitter. Criteria: Ambry Variant Classification Scheme 2023. Collection method: clinical testing. Allele origin: germline.

Labcorp Genetics (formerly Invitae), Labcorp
Classification: Uncertain significance for Atrial fibrillation, familial, 6. Last evaluated: 2021-11-20. Review status: criteria provided, single submitter. Criteria: Invitae Variant Classification Sherloc (09022015). Collection method: clinical testing. Allele origin: germline.
Comment: In summary, the available evidence is currently insufficient to determine the role of this variant in disease. Therefore, it has been classified as a Variant of Uncertain Significance. Algorithms developed to predict the effect of missense changes on protein structure and function are either unavailable or do not agree on the potential impact of this missense change (SIFT: "Deleterious"; PolyPhen-2: "Possibly Damaging"; Align-GVGD: "Class C0"). ClinVar contains an entry for this variant (Variation ID: 240294). This variant has not been reported in the literature in individuals affected with NPPA-related conditions. This variant is present in population databases (rs770401799, gnomAD 0.0009%). This sequence change replaces asparagine, which is neutral and polar, with lysine, which is basic and polar, at codon 26 of the NPPA protein (p.Asn26Lys).